The following is an entry in ClinVar:

ClinVar aggregate classification (germline): Uncertain significance (1 of 4 stars; one submission).

Conditions:
AP1G1-related disorder. Also called: AP1G1-related condition.

Submission:

PreventionGenetics, part of Exact Sciences
Classification: Uncertain significance for AP1G1-related condition. Last evaluated: 2023-06-07. Review status: criteria provided, single submitter. Criteria: ACMG Guidelines, 2015. Collection method: clinical testing. Allele origin: germline.
Comment: The AP1G1 c.2008+2dupT variant is predicted to result in an intronic duplication. To our knowledge, this variant has not been reported in the literature or in a large population database, indicating this variant is rare. At this time, the clinical significance of this variant is uncertain due to the absence of conclusive functional and genetic evidence.

NM_001128.6(AP1G1):c.1999+2dup

Gene: AP1G1 (adaptor related protein complex 1 subunit gamma 1; minus strand). Cytogenetic location: 16q22.2.
Variant type: Duplication.
Coding change: c.1999+2dup on transcript NM_001128.6 (MANE Select); the canonical splice donor site of the intron after coding-DNA position 1999, one base duplicated (T; older notation c.1999+2dupT).
Molecular consequence: splice donor variant.
Genome position (GRCh38, 1-based): chr16:71,745,142, A duplicated on the plus strand (T on the coding strand, the reverse complement: AP1G1 is on the minus strand). VCF-style (leftmost placement, unchanged base first): chr16-71745141-C-CA. GRCh37 (hg19) VCF-style: chr16-71779044-C-CA.
Other names: c.2008+2dup (NM_001030007.2).
Identifiers: ClinVar variation 2634587 (VCV002634587.1), dbSNP rs2543514141, ClinGen allele CA2695197681.